The following is an entry in ClinVar:

ClinVar aggregate classification (germline): Conflicting classifications of pathogenicity. Review status: criteria provided, conflicting classifications (1 of 4 stars). 5 submissions from 5 submitters: Uncertain significance (2); Likely benign (1). 2 of the submissions do not count toward it. Last evaluated 2022-09-28.

Conditions:
Nemaline myopathy 2 (NEM2). Also called: Nemaline myopathy 2, autosomal recessive. Identifiers: MedGen C1850569, MONDO:0009725, OMIM 256030.

Allele frequency attached by ClinVar (database versions not stated): gnomAD 0.00009; 1000 Genomes Project 30x 0.00047.

Submissions (5):

Revvity Omics, Revvity
Classification: Uncertain significance. Last evaluated: 2022-09-28. Review status: criteria provided, single submitter. Criteria: ACMG Guidelines, 2015. Collection method: clinical testing. Allele origin: germline.

GeneDx
Classification: Likely benign. Last evaluated: 2019-03-26. Review status: criteria provided, single submitter. Criteria: GeneDx Variant Classification Process June 2021. Collection method: clinical testing. Allele origin: germline. Affected: yes.

Labcorp Genetics (formerly Invitae), Labcorp
Classification: Uncertain significance for Nemaline myopathy 2. Last evaluated: 2016-10-03. Review status: criteria provided, single submitter. Criteria: Invitae Variant Classification Sherloc (09022015). Collection method: clinical testing. Allele origin: germline.
Comment: This variant occurs in a region of NEB (Exons 82-105) consisting of three highly homologous 8-exon repeat units (exons 82-89, exons 90-97, exons 98-105). Sequence variants in this region can be detected, but this assay cannot determine which of the three repeat units is affected, and zygosity is often ambiguous. All variants in this region are reported relative to the exon 82-89 repeat. This variant is absent in the population databases and has not been reported in the literature in individuals with NEB-related disease. However, it occurs in the triplicated region of NEB and the frequency data is considered unreliable. In summary, this variant is a novel missense change that is not predicted to affect protein function. Missense variants in the NEB gene are typically not pathogenic, and there is no indication that this variant causes disease. However, the available evidence is currently insufficient to prove that conclusively. Therefore, it has been classified as a Variant of Uncertain Significance.

Natera, Inc.
Classification: Uncertain significance for Nemaline myopathy type 2. Last evaluated: 2019-11-11. Review status: no assertion criteria provided. Collection method: clinical testing. Allele origin: germline. Not counted in ClinVar's aggregate classification.

Department of Pathology and Laboratory Medicine, Sinai Health System
Classification: Uncertain significance. Review status: no assertion criteria provided. Collection method: clinical testing. Allele origin: unknown. Affected: yes. Study: The Canadian Open Genetics Repository (COGR). Not counted in ClinVar's aggregate classification.
Comment: The NEB p.Ser4402Gly variant was not identified in the literature nor was it identified in Cosmic or LOVD 3.0. The variant was identified in dbSNP (ID: rs1475846023) and in ClinVar (classified as a VUS by Invitae). The variant was also identified in control databases in 12 of 90240 chromosomes at a frequency of 0.000133 (Genome Aggregation Database Feb 27, 2017). The variant was observed in the following populations: Latino in 5 of 11666 chromosomes (freq: 0.000429), Other in 1 of 2936 chromosomes (freq: 0.000341), European (Finnish) in 1 of 6886 chromosomes (freq: 0.000145) and European (non-Finnish) in 5 of 37464 chromosomes (freq: 0.000134), while the variant was not observed in the African, Ashkenazi Jewish, East Asian, and South Asian populations. The p.Ser4402 residue is conserved across mammals and other organisms and computational analyses (PolyPhen-2, AlignGVGD, BLOSUM, MutationTaster) provide inconsistent predictions regarding the impact to the protein; this information is not predictive enough to rule out pathogenicity. The variant occurs outside of the splicing consensus sequence and in silico or computational prediction software programs (SpliceSiteFinder, MaxEntScan, NNSPLICE, GeneSplicer) do not predict a difference in splicing. In summary, based on the above information the clinical significance of this variant cannot be determined with certainty at this time. This variant is classified as a variant of uncertain significance.

NM_001164508.2(NEB):c.13204A>G (p.Ser4402Gly)

Gene: NEB (nebulin; minus strand). Cytogenetic location: 2q23.3.
Variant type: single nucleotide variant.
Coding change: c.13204A>G on transcript NM_001164508.2 (MANE Select); coding-DNA position 13204, A replaced by G.
Protein change: p.Ser4402Gly; replaces serine 4402 with glycine.
Molecular consequence: missense variant. On other transcripts: intron variant (1).
Genome position (GRCh38, 1-based): chr2:151,603,628, T>C on the plus strand (A>G on the coding strand, the complement: NEB is on the minus strand). VCF-style: chr2-151603628-T-C. GRCh37 (hg19) VCF-style: chr2-152460142-T-C.
Other names: c.13204A>G, p.Ser4402Gly (NM_001164507.2, NM_001271208.2); c.11601+6181A>G (NM_004543.5); short protein forms S4402G.
Identifiers: ClinVar variation 465474 (VCV000465474.10), dbSNP rs1475846023, ClinGen allele CA348772081.